The following is an entry in ClinVar:

NM_002465.4(MYBPC1):c.1518C>G (p.His506Gln)

Gene: MYBPC1 (myosin binding protein C1; plus strand). Cytogenetic location: 12q23.2.
Variant type: single nucleotide variant.
Coding change: c.1518C>G on transcript NM_002465.4 (MANE Select); coding-DNA position 1518, C replaced by G.
Protein change: p.His506Gln; replaces histidine 506 with glutamine.
Molecular consequence: missense variant.
Genome position (GRCh38, 1-based): chr12:101,651,385, C>G. VCF-style: chr12-101651385-C-G. GRCh37 (hg19) VCF-style: chr12-102045163-C-G.
Other names: p.His506Gln; c.1443C>G, p.His481Gln (NM_001254718.3, NM_001254719.3, NM_206820.4 and 1 more transcripts); c.1407C>G, p.His469Gln (NM_001254720.3); c.1386C>G, p.His462Gln (NM_001254721.3, NM_001404676.1, NM_001404678.1); c.1365C>G, p.His455Gln (NM_001254722.3, NM_001404680.1); c.1404C>G, p.His468Gln (NM_001254723.3); c.1518C>G, p.His506Gln (NM_001404675.1, NM_206819.4); c.1308C>G, p.His436Gln (NM_001404677.1, NM_001404679.1, NM_001404681.1); short protein forms H506Q, H462Q, H481Q, H469Q, H455Q, H468Q, H436Q.
Identifiers: ClinVar variation 129642 (VCV000129642.21), dbSNP rs3817552, ClinGen allele CA153762.

ClinVar aggregate classification (germline): Benign. Review status: criteria provided, multiple submitters, no conflicts (2 of 4 stars). 12 submissions from 10 submitters: Benign (10). 2 of the submissions do not count toward it. Last evaluated 2024-11-27.

Conditions:
Myopathy, congenital, with tremor. Also called: myogenic tremor; CONGENITAL MYOPATHY 16. Identifiers: MedGen C5231401, MONDO:0032797, OMIM 618524.
Lethal congenital contracture syndrome 4 (LCCS4). Identifiers: MedGen C3554046, MONDO:0013965, OMIM 614915.
Arthrogryposis, distal, type 1B. Identifiers: Orphanet 1146, MedGen C3280526, MONDO:0013698, OMIM 614335.

Allele frequency attached by ClinVar (database versions not stated): ESP Exome Variant Server 0.14178; gnomAD 0.14585 and 0.14860; TOPMed 0.15094; gnomAD exomes 0.15577; ExAC 0.15709; 1000 Genomes Project 30x 0.16396; 1000 Genomes Project 0.17113.
gnomAD v4.1: 253,389 of 1,613,664 alleles (16%); highest among the groups gnomAD compares: East Asian, 30%; 20,958 homozygotes.

Submissions (12):

Blueprint Genetics
Classification: Benign. Last evaluated: 2024-11-27. Review status: criteria provided, single submitter. Criteria: ACMG Guidelines, 2015. Collection method: clinical testing. Allele origin: germline.

Mayo Clinic Laboratories, Mayo Clinic
Classification: Benign. Last evaluated: 2023-02-13. Review status: criteria provided, single submitter. Criteria: ACMG Guidelines, 2015. Collection method: clinical testing. Allele origin: germline. Observed: 83 variant alleles.
Comment: BA1

Genome-Nilou Lab
Classification: Benign for Arthrogryposis, distal, type 1B. Last evaluated: 2021-09-05. Review status: criteria provided, single submitter. Criteria: ACMG Guidelines, 2015. Collection method: clinical testing. Allele origin: germline. Affected: no.

Genome-Nilou Lab
Classification: Benign for Lethal congenital contracture syndrome 4. Last evaluated: 2021-09-05. Review status: criteria provided, single submitter. Criteria: ACMG Guidelines, 2015. Collection method: clinical testing. Allele origin: germline. Affected: no.

Genome-Nilou Lab
Classification: Benign for Myopathy, congenital, with tremor. Last evaluated: 2021-09-05. Review status: criteria provided, single submitter. Criteria: ACMG Guidelines, 2015. Collection method: clinical testing. Allele origin: germline. Affected: no.

GeneDx
Classification: Benign. Last evaluated: 2019-09-04. Review status: criteria provided, single submitter. Criteria: GeneDx Variant Classification Process June 2021. Collection method: clinical testing. Allele origin: germline. Affected: yes.
Comment: This variant is associated with the following publications: (PMID: 17000706, 23873045)

Illumina Laboratory Services, Illumina
Classification: Benign for Arthrogryposis, distal, type 1B. Last evaluated: 2018-03-06. Review status: criteria provided, single submitter. Criteria: ICSL Variant Classification Criteria 13 December 2019. Collection method: clinical testing. Allele origin: germline.
Comment: This variant was observed in the ICSL laboratory as part of a predisposition screen in an ostensibly healthy population. It had not been previously curated by ICSL or reported in the Human Gene Mutation Database (HGMD: prior to June 1st, 2018), and was therefore a candidate for classification through an automated scoring system. Utilizing variant allele frequency, disease prevalence and penetrance estimates, and inheritance mode, an automated score was calculated to assess if this variant is too frequent to cause the disease. Based on the score and internal cut-off values, a variant classified as benign is not then subjected to further curation. The score for this variant resulted in a classification of benign for this disease.

Genetic Services Laboratory, University of Chicago
Classification: Benign for AllHighlyPenetrant. Last evaluated: 2013-08-15. Review status: criteria provided, single submitter. Criteria: ACMG Guidelines, 2007. Collection method: clinical testing. Allele origin: germline. Inheritance: Autosomal recessive inheritance.

Breakthrough Genomics
Classification: Benign. Review status: criteria provided, single submitter. Criteria: ACMG Guidelines, 2015. Collection method: not provided. Allele origin: germline. Inheritance: Autosomal recessive inheritance. Affected: yes.

PreventionGenetics, part of Exact Sciences
Classification: Benign. Review status: criteria provided, single submitter. Criteria: ACMG Guidelines, 2015. Collection method: clinical testing. Allele origin: germline.

Clinical Genetics, Academic Medical Center
Classification: Benign. Review status: no assertion criteria provided. Collection method: clinical testing. Allele origin: germline. Affected: yes. Study: VKGL Data-share Consensus. Not counted in ClinVar's aggregate classification.

Joint Genome Diagnostic Labs from Nijmegen and Maastricht, Radboudumc and MUMC+
Classification: Benign. Review status: no assertion criteria provided. Collection method: clinical testing. Allele origin: germline. Affected: yes. Study: VKGL Data-share Consensus. Not counted in ClinVar's aggregate classification.

Literature cited by the submitters: PubMed 23873045 (cited by Mayo Clinic Laboratories, Mayo Clinic).